The following is an entry in ClinVar:

ClinVar aggregate classification (germline): Benign. Review status: criteria provided, multiple submitters, no conflicts (2 of 4 stars). 4 submissions from 4 submitters: Benign (4). Last evaluated 2025-12-19.

Conditions:
Rafiq syndrome (RAFQS). Identifiers: Orphanet 88616, MedGen C3280127, MONDO:0013624, OMIM 614202.
Inborn genetic diseases. Identifiers: MedGen C0950123, MeSH D030342.

Allele frequency attached by ClinVar (database versions not stated): gnomAD 0.00327 and 0.00305; 1000 Genomes Project 0.00339; 1000 Genomes Project 30x 0.00359; TOPMed 0.00364; ESP Exome Variant Server 0.00423; gnomAD exomes 0.00030 and 0.00083; ExAC 0.00106.
gnomAD v4.1: 927 of 1,611,520 alleles (0.058%); highest among the groups gnomAD compares: African/African-American, 1.1%; 4 homozygotes.

Submissions (4):

Labcorp Genetics (formerly Invitae), Labcorp
Classification: Benign for Rafiq syndrome. Last evaluated: 2025-12-19. Review status: criteria provided, single submitter. Criteria: Invitae Variant Classification Sherloc (09022015). Collection method: clinical testing. Allele origin: germline.

CeGaT Center for Human Genetics Tuebingen
Classification: Benign. Last evaluated: 2022-12-01. Review status: criteria provided, single submitter. Criteria: CeGaT Center For Human Genetics Tuebingen Variant Classification Criteria Version 2. Collection method: clinical testing. Allele origin: germline. Affected: yes. Observed: 1 variant allele.
Comment: MAN1B1: BS1, BS2

Illumina Laboratory Services, Illumina
Classification: Benign for Rafiq syndrome. Last evaluated: 2018-01-12. Review status: criteria provided, single submitter. Criteria: ICSL Variant Classification Criteria 13 December 2019. Collection method: clinical testing. Allele origin: germline.
Comment: This variant was observed in the ICSL laboratory as part of a predisposition screen in an ostensibly healthy population. It had not been previously curated by ICSL or reported in the Human Gene Mutation Database (HGMD: prior to June 1st, 2018), and was therefore a candidate for classification through an automated scoring system. Utilizing variant allele frequency, disease prevalence and penetrance estimates, and inheritance mode, an automated score was calculated to assess if this variant is too frequent to cause the disease. Based on the score and internal cut-off values, a variant classified as benign is not then subjected to further curation. The score for this variant resulted in a classification of benign for this disease.

Ambry Genetics
Classification: Benign for Inborn genetic diseases. Last evaluated: 2016-12-16. Review status: criteria provided, single submitter. Criteria: Ambry Variant Classification Scheme 2023. Collection method: clinical testing. Allele origin: germline.

NM_016219.5(MAN1B1):c.1845A>G (p.Lys615=)

Gene: MAN1B1 (mannosidase alpha class 1B member 1; plus strand). Cytogenetic location: 9q34.3.
Variant type: single nucleotide variant.
Coding change: c.1845A>G on transcript NM_016219.5 (MANE Select); coding-DNA position 1845, A replaced by G.
Protein change: p.Lys615=; no amino-acid change (lysine 615 retained).
Molecular consequence: synonymous variant. On other transcripts: non-coding transcript variant (2).
Genome position (GRCh38, 1-based): chr9:137,107,611, A>G. VCF-style: chr9-137107611-A-G. GRCh37 (hg19) VCF-style: chr9-140002063-A-G.
Identifiers: ClinVar variation 588556 (VCV000588556.43), dbSNP rs77684216, ClinGen allele CA5359410.
Genomic context (GRCh38, chr9:137,107,611, plus strand): 5'-GCTGCGGCCAGAGACCGTGGAGAGCCTGTTCTACCTGTACCGCGTCACAGGGGACCGCAA[A>G]TACCAGGACTGGGGCTGGGAGATTCTGCAGAGCTTCAGCCGATTCACACGGGTGAGCACC-3'
Protein context (NP_057303.2, residues 605-625): FYLYRVTGDR[Lys615=]YQDWGWEILQ